The following is an entry in ClinVar:

ClinVar aggregate classification (germline): Uncertain significance (1 of 4 stars; one submission).

Conditions:
Hereditary cancer-predisposing syndrome. Also called: Hereditary Cancer Syndrome; Tumor predisposition; Hereditary neoplastic syndrome; Neoplastic Syndromes, Hereditary. Identifiers: Orphanet 140162, MedGen C0027672, MeSH D009386, MONDO:0015356.

Submission:

Ambry Genetics
Classification: Uncertain significance for Hereditary cancer-predisposing syndrome. Last evaluated: 2024-08-22. Review status: criteria provided, single submitter. Criteria: Ambry Variant Classification Scheme 2023. Collection method: clinical testing. Allele origin: germline.
Comment: The p.H441Y variant (also known as c.1321C>T), located in coding exon 8 of the MSH3 gene, results from a C to T substitution at nucleotide position 1321. The histidine at codon 441 is replaced by tyrosine, an amino acid with similar properties. This amino acid position is conserved. In addition, this alteration is predicted to be tolerated by in silico analysis. Based on the available evidence, the clinical significance of this variant remains unclear.

NM_002439.5(MSH3):c.1321C>T (p.His441Tyr)

Gene: MSH3 (mutS homolog 3; plus strand). Cytogenetic location: 5q14.1.
Variant type: single nucleotide variant.
Coding change: c.1321C>T on transcript NM_002439.5 (MANE Select); coding-DNA position 1321, C replaced by T.
Protein change: p.His441Tyr; replaces histidine 441 with tyrosine.
Molecular consequence: missense variant.
Genome position (GRCh38, 1-based): chr5:80,679,074, C>T. VCF-style: chr5-80679074-C-T. GRCh37 (hg19) VCF-style: chr5-79974893-C-T.
Other names: short protein forms H441Y.
Identifiers: ClinVar variation 3398669 (VCV003398669.1).